The following is an entry in ClinVar:

ClinVar aggregate classification (germline): Uncertain significance. Review status: criteria provided, multiple submitters, no conflicts (2 of 4 stars). 2 submissions from 2 submitters: Uncertain significance (2). Last evaluated 2025-09-22.

Conditions:
Arrhythmogenic right ventricular dysplasia 10. Also called: Arrhythmogenic Right Ventricular Dysplasia/Cardiomyopathy10; ARRHYTHMOGENIC RIGHT VENTRICULAR DYSPLASIA, FAMILIAL, 10; Arrhythmogenic right ventricular dysplasia/cardiomyopathy, type 10. Identifiers: MedGen C1857777, MONDO:0012434, OMIM 610193.
Cardiomyopathy (CMYO). Also called: Cardiomyopathies. Identifiers: Orphanet 167848, MedGen C0878544, MONDO:0004994, HP:0001638. Inheritance: Various modes of inheritance.

Submissions (2):

Color Diagnostics, LLC DBA Color Health
Classification: Uncertain significance for Cardiomyopathy. Last evaluated: 2025-09-22. Review status: criteria provided, single submitter. Criteria: ACMG Guidelines, 2015. Collection method: clinical testing. Allele origin: germline.
Comment: This missense variant replaces threonine with proline at codon 589 of the DSG2 protein. Computational prediction suggests that this variant may not impact protein structure and function. To our knowledge, functional studies have not been reported for this variant. This variant has not been reported in individuals affected with DSG2-related disorders in the literature. This variant has not been identified in the general population by the Genome Aggregation Database (gnomAD). The available evidence is insufficient to determine the role of this variant in disease conclusively. Therefore, this variant is classified as a Variant of Uncertain Significance.

Labcorp Genetics (formerly Invitae), Labcorp
Classification: Uncertain significance for Arrhythmogenic right ventricular dysplasia 10. Last evaluated: 2024-06-28. Review status: criteria provided, single submitter. Criteria: Invitae Variant Classification Sherloc (09022015). Collection method: clinical testing. Allele origin: germline.
Comment: This sequence change replaces threonine, which is neutral and polar, with proline, which is neutral and non-polar, at codon 589 of the DSG2 protein (p.Thr589Pro). This variant is not present in population databases (gnomAD no frequency). This variant has not been reported in the literature in individuals affected with DSG2-related conditions. Advanced modeling of protein sequence and biophysical properties (such as structural, functional, and spatial information, amino acid conservation, physicochemical variation, residue mobility, and thermodynamic stability) performed at Invitae indicates that this missense variant is not expected to disrupt DSG2 protein function with a negative predictive value of 95%. In summary, the available evidence is currently insufficient to determine the role of this variant in disease. Therefore, it has been classified as a Variant of Uncertain Significance.

NM_001943.5(DSG2):c.1765A>C (p.Thr589Pro)

Gene: DSG2 (desmoglein 2; plus strand). Cytogenetic location: 18q12.1.
Variant type: single nucleotide variant.
Coding change: c.1765A>C on transcript NM_001943.5 (MANE Select); coding-DNA position 1765, A replaced by C.
Protein change: p.Thr589Pro; replaces threonine 589 with proline.
Molecular consequence: missense variant.
Genome position (GRCh38, 1-based): chr18:31,538,864, A>C. VCF-style: chr18-31538864-A-C. GRCh37 (hg19) VCF-style: chr18-29118827-A-C.
Other names: short protein forms T589P.
Identifiers: ClinVar variation 3712109 (VCV003712109.3).